The following is an entry in ClinVar:

ClinVar aggregate classification (germline): Uncertain significance (1 of 4 stars; one submission).

Conditions:
Early-infantile DEE. Also called: Early infantile epileptic encephalopathy; Early infantile epileptic encephalopathy with suppression bursts; Ohtahara syndrome. Identifiers: Orphanet 1934, MedGen C0393706, MONDO:0800491.

Submission:

Labcorp Genetics (formerly Invitae), Labcorp
Classification: Uncertain significance for Early-infantile DEE. Last evaluated: 2018-07-12. Review status: criteria provided, single submitter. Criteria: Invitae Variant Classification Sherloc (09022015). Collection method: clinical testing. Allele origin: germline.
Comment: This sequence change replaces asparagine with threonine at codon 270 of the GNAO1 protein (p.Asn270Thr). The asparagine residue is highly conserved and there is a small physicochemical difference between asparagine and threonine. This variant is not present in population databases (ExAC no frequency). This variant has not been reported in the literature in individuals with GNAO1-related disease. Algorithms developed to predict the effect of missense changes on protein structure and function are either unavailable or do not agree on the potential impact of this missense change (SIFT: "Deleterious"; PolyPhen-2: "Probably Damaging"; Align-GVGD: "Class C0"). In summary, the available evidence is currently insufficient to determine the role of this variant in disease. Therefore, it has been classified as a Variant of Uncertain Significance.

NM_020988.3(GNAO1):c.809A>C (p.Asn270Thr)

Gene: GNAO1 (G protein subunit alpha o1; plus strand). Cytogenetic location: 16q13.
Variant type: single nucleotide variant.
Coding change: c.809A>C on transcript NM_020988.3 (MANE Select); coding-DNA position 809, A replaced by C.
Protein change: p.Asn270Thr; replaces asparagine 270 with threonine.
Molecular consequence: missense variant.
Genome position (GRCh38, 1-based): chr16:56,351,469, A>C. VCF-style: chr16-56351469-A-C. GRCh37 (hg19) VCF-style: chr16-56385381-A-C.
Other names: short protein forms N270T.
Identifiers: ClinVar variation 639765 (VCV000639765.9), dbSNP rs1596881854, ClinGen allele CA395954777.